The following is an entry in ClinVar:

ClinVar aggregate classification (germline): Likely pathogenic (1 of 4 stars; one submission).

Conditions:
Severe myoclonic epilepsy in infancy (DRVT). Also called: SEVERE MYOCLONIC EPILEPSY OF INFANCY; DEVELOPMENTAL AND EPILEPTIC ENCEPHALOPATHY 6A; Severe Myoclonic Epilepsy in Infancy (SMEI); Dravet syndrome; Epileptic encephalopathy, early infantile, 6 (Dravet syndrome). Identifiers: Orphanet 33069, MedGen C0751122, MONDO:0100135, OMIM 607208.

Submission:

Unidad de Genómica Garrahan, Hospital de Pediatría Garrahan
Classification: Likely pathogenic for Severe myoclonic epilepsy in infancy. Last evaluated: 2024-01-01. Review status: criteria provided, single submitter. Criteria: ACMG/ClinGen CNV Guidelines, 2019. Collection method: clinical testing. Allele origin: germline. Affected: yes. Observed: 1 variant allele.
Comment: The variant was classified as Likely Pathogenic (+0.9). 1A: contains protein-coding elements. (0.0); 2A-2E: Overlaps with a esstablished LOF-sensitive genomic region. SCN1A gene has a ClinGen haploinsuffiency Score: 3 (+0.90). Partially overlap with the 3' end of a LOF-sensitive gene (SCN1A). Number of coding RefSeq genes partially included: 1 (SCN1A).SCN1A is associated with Developmental and epileptic encephalopathy, 6, in an autosomal dominant pattern. And has a Haploinsufficiency score of 3 (ClinGen).

GRCh38/hg38 2q24.3(chr2:165991235-166002763)x1

Genes: SCN1A (sodium voltage-gated channel alpha subunit 1; minus strand), LOC102724058 (uncharacterized LOC102724058; plus strand). Cytogenetic location: 2q24.3.
Variant type: copy number loss.
Change: copy number 1 (one copy instead of two) of chr2:165,991,235-166,002,763 (11.5 kb, GRCh38 coordinates, 1-based), cytogenetic band 2q24.3.
Identifiers: ClinVar variation 3336690 (VCV003336690.1).